The following is an entry in ClinVar:

NM_000051.4(ATM):c.2336T>C (p.Met779Thr)

Gene: ATM (ATM serine/threonine kinase; plus strand). Cytogenetic location: 11q22.3.
Variant type: single nucleotide variant.
Coding change: c.2336T>C on transcript NM_000051.4 (MANE Select); coding-DNA position 2336, T replaced by C.
Protein change: p.Met779Thr; replaces methionine 779 with threonine.
Molecular consequence: missense variant.
Genome position (GRCh38, 1-based): chr11:108,257,566, T>C. VCF-style: chr11-108257566-T-C. GRCh37 (hg19) VCF-style: chr11-108128293-T-C.
Other names: c.2336T>C, p.Met779Thr (NM_001351834.2); short protein forms M779T.
Identifiers: ClinVar variation 133606 (VCV000133606.33), dbSNP rs587778066, ClinGen allele CA157073.

ClinVar aggregate classification (germline): Uncertain significance. Review status: criteria provided, multiple submitters, no conflicts (2 of 4 stars). 10 submissions from 10 submitters: Uncertain significance (7). 3 of the submissions do not count toward it. Last evaluated 2024-10-22.

Conditions:
Hereditary cancer-predisposing syndrome. Also called: Tumor predisposition; Hereditary neoplastic syndrome; Neoplastic Syndromes, Hereditary; Hereditary Cancer Syndrome. Identifiers: Orphanet 140162, MedGen C0027672, MeSH D009386, MONDO:0015356.
Ataxia-telangiectasia syndrome (AT). Also called: Cerebello-oculocutaneous telangiectasia; Immunodeficiency with ataxia telangiectasia; ATAXIA-TELANGIECTASIA, COMPLEMENTATION GROUP A; ATAXIA-TELANGIECTASIA, FRESNO VARIANT; Ataxia-telangiectasia; Ataxia-telangiectasia, complementation group D. Identifiers: Orphanet 100, MedGen C0004135, MONDO:0008840, OMIM 208900.
Familial cancer of breast. Also called: hereditary breast carcinoma; Hereditary breast cancer; BREAST CANCER, FAMILIAL. Identifiers: Orphanet 227535, MedGen C0346153, MONDO:0016419, OMIM 114480. Disease mechanism: loss of function.

Allele frequency attached by ClinVar (database versions not stated): gnomAD exomes 0.00001; TOPMed 0.00001; ExAC 0.00002.
gnomAD v4.1: 14 of 1,614,058 alleles (0.00087%); highest among the groups gnomAD compares: South Asian, 0.0022%; no homozygotes.

Submissions (10):

Labcorp Genetics (formerly Invitae), Labcorp
Classification: Uncertain significance for Ataxia-telangiectasia syndrome. Last evaluated: 2024-10-22. Review status: criteria provided, single submitter. Criteria: Invitae Variant Classification Sherloc (09022015). Collection method: clinical testing. Allele origin: germline.
Comment: This sequence change replaces methionine, which is neutral and non-polar, with threonine, which is neutral and polar, at codon 779 of the ATM protein (p.Met779Thr). This variant is present in population databases (rs587778066, gnomAD 0.003%). This missense change has been observed in individual(s) with breast cancer (PMID: 17393301, 19781682, 35264596). ClinVar contains an entry for this variant (Variation ID: 133606). Invitae Evidence Modeling of protein sequence and biophysical properties (such as structural, functional, and spatial information, amino acid conservation, physicochemical variation, residue mobility, and thermodynamic stability) indicates that this missense variant is not expected to disrupt ATM protein function with a negative predictive value of 95%. In summary, the available evidence is currently insufficient to determine the role of this variant in disease. Therefore, it has been classified as a Variant of Uncertain Significance.

GeneDx
Classification: Uncertain significance. Last evaluated: 2024-09-26. Review status: criteria provided, single submitter. Criteria: GeneDx Variant Classification Process June 2021. Collection method: clinical testing. Allele origin: germline. Affected: yes.
Comment: Observed in individuals with breast cancer (PMID: 19781682, 17393301, 35264596); Not observed at significant frequency in large population cohorts (gnomAD); In silico analysis indicates that this missense variant does not alter protein structure/function; This variant is associated with the following publications: (PMID: 19781682, 17393301, 24728327, 35264596)

Ambry Genetics
Classification: Uncertain significance for Hereditary cancer-predisposing syndrome. Last evaluated: 2024-02-12. Review status: criteria provided, single submitter. Criteria: Ambry Variant Classification Scheme 2023. Collection method: clinical testing. Allele origin: germline.
Comment: The p.M779T variant (also known as c.2336T>C), located in coding exon 14 of the ATM gene, results from a T to C substitution at nucleotide position 2336. The methionine at codon 779 is replaced by threonine, an amino acid with similar properties. This alteration has been detected in multiple individuals diagnosed with breast cancer (Tavtigian SV et al. Am J Hum Genet, 2009 Oct;85:427-46; Guindalini RSC et al. Sci Rep, 2022 Mar;12:4190). This amino acid position is not well conserved in available vertebrate species. In addition, the in silico prediction for this alteration is inconclusive. Based on the available evidence, the clinical significance of this alteration remains unclear.

Blueprint Genetics
Classification: Uncertain significance. Last evaluated: 2024-02-02. Review status: criteria provided, single submitter. Criteria: ACMG Guidelines, 2015. Collection method: clinical testing. Allele origin: germline.

Baylor Genetics
Classification: Uncertain significance for Familial cancer of breast. Last evaluated: 2024-01-22. Review status: criteria provided, single submitter. Criteria: ACMG Guidelines, 2015. Collection method: clinical testing. Allele origin: unknown.

Color Diagnostics, LLC DBA Color Health
Classification: Uncertain significance for Hereditary cancer-predisposing syndrome. Last evaluated: 2022-06-14. Review status: criteria provided, single submitter. Criteria: ACMG Guidelines, 2015. Collection method: clinical testing. Allele origin: germline.
Comment: This missense variant replaces methionine with threonine at codon 779 of the ATM protein. Computational prediction suggests that this variant may not impact protein structure and function (internally defined REVEL score threshold <= 0.5, PMID: 27666373). To our knowledge, functional studies have not been reported for this variant. In a large international case-control study, this variant was reported in 4/60462 breast cancer cases and 3/53458 controls (OR=1.179, 95%CI 0.264 to 5.268, p-value=1; PMID: 33471991). In addition, this variant has also been reported in four individuals affected with breast cancer (PMID: 17393301, 19781682; Color Health internal data), an individual affected with pancreatic cancer (Color Health internal data), and a healthy individual (PMID: 24728327). This variant has been identified in 3/251372 chromosomes in the general population by the Genome Aggregation Database (gnomAD). The available evidence is insufficient to determine the role of this variant in disease conclusively. Therefore, this variant is classified as a Variant of Uncertain Significance.

Mendelics
Classification: Uncertain significance for Ataxia-telangiectasia syndrome. Last evaluated: 2018-07-02. Review status: criteria provided, single submitter. Criteria: Mendelics Assertion Criteria 2017. Collection method: clinical testing. Allele origin: unknown.

Natera, Inc.
Classification: Uncertain significance for Ataxia-telangiectasia. Last evaluated: 2020-08-07. Review status: no assertion criteria provided. Collection method: clinical testing. Allele origin: germline. Not counted in ClinVar's aggregate classification.

Counsyl
Classification: Uncertain significance for Ataxia-telangiectasia syndrome. Last evaluated: 2017-08-10. Review status: no assertion criteria provided. Collection method: clinical testing. Allele origin: unknown. Not counted in ClinVar's aggregate classification.

ITMI
No classification provided. Condition: AllHighlyPenetrant. Last evaluated: 2013-09-19. Review status: no classification provided. Collection method: reference population. Allele origin: germline. Not counted in ClinVar's aggregate classification.
Comment: Please see associated publication for description of ethnicities

Literature cited by the submitters: PubMed 17393301 (cited by Labcorp Genetics (formerly Invitae), Labcorp and Color Diagnostics, LLC DBA Color Health); PubMed 19781682 (cited by 3 submitters); PubMed 35264596 (cited by Labcorp Genetics (formerly Invitae), Labcorp and Ambry Genetics); PubMed 24728327 (cited by 3 submitters).